The following is an entry in ClinVar:

NM_003200.5(TCF3):c.349G>A (p.Val117Met)

Gene: TCF3 (transcription factor 3; minus strand). Cytogenetic location: 19p13.3.
Variant type: single nucleotide variant.
Coding change: c.349G>A on transcript NM_003200.5 (MANE Select); coding-DNA position 349, G replaced by A.
Protein change: p.Val117Met; replaces valine 117 with methionine.
Molecular consequence: missense variant.
Genome position (GRCh38, 1-based): chr19:1,627,376, C>T on the plus strand (G>A on the coding strand, the complement: TCF3 is on the minus strand). VCF-style: chr19-1627376-C-T. GRCh37 (hg19) VCF-style: chr19-1627375-C-T.
Other names: c.349G>A, p.Val117Met (NM_001136139.4, NM_001351778.2, NM_001351779.2); short protein forms V117M.
Identifiers: ClinVar variation 1503284 (VCV001503284.8), dbSNP rs368163858, ClinGen allele CA9050441.

ClinVar aggregate classification (germline): Uncertain significance (1 of 4 stars; one submission).

Allele frequency attached by ClinVar (database versions not stated): gnomAD 0.00001 and 0.00002; ExAC 0.00002; gnomAD exomes 0.00002; TOPMed 0.00002; ESP Exome Variant Server 0.00015.
gnomAD v4.1: 47 of 1,610,932 alleles (0.0029%); highest among the groups gnomAD compares: South Asian, 0.0055%; no homozygotes.

Submission:

Labcorp Genetics (formerly Invitae), Labcorp
Classification: Uncertain significance. Last evaluated: 2023-07-05. Review status: criteria provided, single submitter. Criteria: Invitae Variant Classification Sherloc (09022015). Collection method: clinical testing. Allele origin: germline.
Comment: In summary, the available evidence is currently insufficient to determine the role of this variant in disease. Therefore, it has been classified as a Variant of Uncertain Significance. Advanced modeling of protein sequence and biophysical properties (such as structural, functional, and spatial information, amino acid conservation, physicochemical variation, residue mobility, and thermodynamic stability) performed at Invitae indicates that this missense variant is not expected to disrupt TCF3 protein function. ClinVar contains an entry for this variant (Variation ID: 1503284). This variant has not been reported in the literature in individuals affected with TCF3-related conditions. This variant is present in population databases (rs368163858, gnomAD 0.005%). This sequence change replaces valine, which is neutral and non-polar, with methionine, which is neutral and non-polar, at codon 117 of the TCF3 protein (p.Val117Met).